The following is an entry in ClinVar:

NM_001845.6(COL4A1):c.4408G>T (p.Gly1470Trp)

Gene: COL4A1 (collagen type IV alpha 1 chain; minus strand). Cytogenetic location: 13q34.
Variant type: single nucleotide variant.
Coding change: c.4408G>T on transcript NM_001845.6 (MANE Select); coding-DNA position 4408, G replaced by T.
Protein change: p.Gly1470Trp; replaces glycine 1470 with tryptophan.
Molecular consequence: missense variant.
Genome position (GRCh38, 1-based): chr13:110,162,284, C>A on the plus strand (G>T on the coding strand, the complement: COL4A1 is on the minus strand). VCF-style: chr13-110162284-C-A. GRCh37 (hg19) VCF-style: chr13-110814631-C-A.
Other names: short protein forms G1470W.
Identifiers: ClinVar variation 1316462 (VCV001316462.2), dbSNP rs2139146124, ClinGen allele CA388657954.

ClinVar aggregate classification (germline): Uncertain significance (1 of 4 stars; one submission).

Submission:

GeneDx
Classification: Uncertain significance. Last evaluated: 2019-10-31. Review status: criteria provided, single submitter. Criteria: GeneDx Variant Classification Process June 2021. Collection method: clinical testing. Allele origin: germline. Affected: yes.
Comment: Not observed in large population cohorts (Lek et al., 2016); In silico analysis, which includes protein predictors and evolutionary conservation, supports a deleterious effect; Has not been previously published as pathogenic or benign to our knowledge